The following is an entry in ClinVar:

NM_033305.3(VPS13A):c.7012_7013del (p.Ser2337_Leu2338insTer)

Gene: VPS13A (vacuolar protein sorting 13 homolog A; plus strand). Cytogenetic location: 9q21.2.
Variant type: Microsatellite.
Coding change: c.7012_7013del on transcript NM_033305.3 (MANE Select); coding-DNA positions 7012 to 7013, 2 bases deleted (CT; older notation c.7012_7013delCT).
Protein change: p.Ser2337_Leu2338insTer.
Molecular consequence: nonsense.
Genome position (GRCh38, 1-based): chr9:77,340,536-77,340,537, CT deleted; deleting any 2 consecutive bases within chr9:77,340,530-77,340,537 gives the same sequence; the c. name uses the placement nearest the transcript's 3' end. VCF-style (leftmost placement, unchanged base first): chr9-77340529-GCT-G. GRCh37 (hg19) VCF-style: chr9-79955445-GCT-G.
Other names: c.6895_6896del, p.Ser2298_Leu2299insTer (NM_001018037.2); c.7012_7013del, p.Ser2337_Leu2338insTer (NM_001018038.3, NM_015186.4).
Identifiers: ClinVar variation 1439712 (VCV001439712.6), dbSNP rs1563939617, ClinGen allele CA588651490.
Genomic context (GRCh38, chr9:77,340,529, plus strand): 5'-TATGATTAAAAACAAAAGCAAATACCATATATCAGTGGCTGAAGAAGGAAATGATAAATG[GCT>G]CTCTCTTGATTTGGAGCAGGTGGGTAGATGAATTTCAAAAATATACCTCTTTGGATTCTA-3'

ClinVar aggregate classification (germline): Pathogenic (1 of 4 stars; one submission).

Submission:

Labcorp Genetics (formerly Invitae), Labcorp
Classification: Pathogenic. Last evaluated: 2021-11-05. Review status: criteria provided, single submitter. Criteria: Invitae Variant Classification Sherloc (09022015). Collection method: clinical testing. Allele origin: germline.
Comment: This sequence change creates a premature translational stop signal (p.Leu2338*) in the VPS13A gene. It is expected to result in an absent or disrupted protein product. Loss-of-function variants in VPS13A are known to be pathogenic (PMID: 12404112, 21598378). This variant is present in population databases (no rsID available, gnomAD 0.004%). This variant has not been reported in the literature in individuals affected with VPS13A-related conditions. For these reasons, this variant has been classified as Pathogenic.

Literature cited by the submitters: PubMed 12404112; PubMed 21598378.